The following is an entry in ClinVar:

NM_000393.5(COL5A2):c.4069A>T (p.Asn1357Tyr)

Gene: COL5A2 (collagen type V alpha 2 chain; minus strand). Cytogenetic location: 2q32.2.
Variant type: single nucleotide variant.
Coding change: c.4069A>T on transcript NM_000393.5 (MANE Select); coding-DNA position 4069, A replaced by T.
Protein change: p.Asn1357Tyr; replaces asparagine 1357 with tyrosine.
Molecular consequence: missense variant.
Genome position (GRCh38, 1-based): chr2:189,036,660, T>A on the plus strand (A>T on the coding strand, the complement: COL5A2 is on the minus strand). VCF-style: chr2-189036660-T-A. GRCh37 (hg19) VCF-style: chr2-189901386-T-A.
Other names: short protein forms N1357Y.
Identifiers: ClinVar variation 861639 (VCV000861639.3), dbSNP rs1157866285, ClinGen allele CA349855532.

ClinVar aggregate classification (germline): Uncertain significance (1 of 4 stars; one submission).

Conditions:
Ehlers-Danlos syndrome, classic type (cEDS). Identifiers: Orphanet 287, MedGen C4225429, MONDO:0007522.

Allele frequency attached by ClinVar (database versions not stated): gnomAD exomes below 0.00001.
gnomAD v4.1: 1 of 1,613,858 alleles (0.000062%); highest among the groups gnomAD compares: Non-Finnish European, 0.000085%; no homozygotes.

Submission:

Labcorp Genetics (formerly Invitae), Labcorp
Classification: Uncertain significance for Ehlers-Danlos syndrome, type 1. Last evaluated: 2019-01-15. Review status: criteria provided, single submitter. Criteria: Invitae Variant Classification Sherloc (09022015). Collection method: clinical testing. Allele origin: germline.
Comment: This sequence change replaces asparagine with tyrosine at codon 1357 of the COL5A2 protein (p.Asn1357Tyr). The asparagine residue is moderately conserved and there is a large physicochemical difference between asparagine and tyrosine. This variant is not present in population databases (ExAC no frequency). This variant has not been reported in the literature in individuals with COL5A2-related conditions. Algorithms developed to predict the effect of missense changes on protein structure and function output the following: SIFT: "Tolerated"; PolyPhen-2: "Not Available"; Align-GVGD: "Class C0". The tyrosine amino acid residue is found in multiple mammalian species, suggesting that this missense change does not adversely affect protein function. These predictions have not been confirmed by published functional studies and their clinical significance is uncertain. In summary, the available evidence is currently insufficient to determine the role of this variant in disease. Therefore, it has been classified as a Variant of Uncertain Significance.